The following is an entry in ClinVar:

NM_025152.3(NUBPL):c.895G>C (p.Glu299Gln)

Gene: NUBPL (NUBP iron-sulfur cluster assembly factor, mitochondrial; plus strand). Cytogenetic location: 14q12.
Variant type: single nucleotide variant.
Coding change: c.895G>C on transcript NM_025152.3 (MANE Select); coding-DNA position 895, G replaced by C.
Protein change: p.Glu299Gln; replaces glutamic acid 299 with glutamine.
Molecular consequence: missense variant. On other transcripts: non-coding transcript variant (1).
Genome position (GRCh38, 1-based): chr14:31,850,199, G>C. VCF-style: chr14-31850199-G-C. GRCh37 (hg19) VCF-style: chr14-32319405-G-C.
Other names: c.607G>C, p.Glu203Gln (NM_001201573.2); c.346G>C, p.Glu116Gln (NM_001201574.2); short protein forms E116Q, E299Q, E203Q.
Identifiers: ClinVar variation 1976652 (VCV001976652.5), dbSNP rs778765620, ClinGen allele CA7148006.

ClinVar aggregate classification (germline): Uncertain significance (1 of 4 stars; one submission).

Allele frequency attached by ClinVar (database versions not stated): gnomAD exomes below 0.00001; gnomAD 0.00001; ExAC 0.00002.
gnomAD v4.1: 4 of 1,611,704 alleles (0.00025%); highest among the groups gnomAD compares: Admixed American, 0.0067%; no homozygotes.

Submission:

Labcorp Genetics (formerly Invitae), Labcorp
Classification: Uncertain significance. Last evaluated: 2022-07-14. Review status: criteria provided, single submitter. Criteria: Invitae Variant Classification Sherloc (09022015). Collection method: clinical testing. Allele origin: germline.
Comment: In summary, the available evidence is currently insufficient to determine the role of this variant in disease. Therefore, it has been classified as a Variant of Uncertain Significance. Algorithms developed to predict the effect of missense changes on protein structure and function (SIFT, PolyPhen-2, Align-GVGD) all suggest that this variant is likely to be tolerated. This variant has not been reported in the literature in individuals affected with NUBPL-related conditions. This variant is present in population databases (rs778765620, gnomAD 0.009%). This sequence change replaces glutamic acid, which is acidic and polar, with glutamine, which is neutral and polar, at codon 299 of the NUBPL protein (p.Glu299Gln).